The following is an entry in ClinVar:

NM_002335.4(LRP5):c.495G>T (p.Met165Ile)

Gene: LRP5 (LDL receptor related protein 5; plus strand). Cytogenetic location: 11q13.2.
Variant type: single nucleotide variant.
Coding change: c.495G>T on transcript NM_002335.4 (MANE Select); coding-DNA position 495, G replaced by T.
Protein change: p.Met165Ile; replaces methionine 165 with isoleucine.
Molecular consequence: missense variant. On other transcripts: 5 prime UTR variant (1).
Genome position (GRCh38, 1-based): chr11:68,357,656, G>T. VCF-style: chr11-68357656-G-T. GRCh37 (hg19) VCF-style: chr11-68125124-G-T.
Other names: c.-1271G>T (NM_001291902.2); short protein forms M165I.
Identifiers: ClinVar variation 3360880 (VCV003360880.1).

ClinVar aggregate classification (germline): Uncertain significance (1 of 4 stars; one submission).

Submission:

GeneDx
Classification: Uncertain significance. Last evaluated: 2023-07-13. Review status: criteria provided, single submitter. Criteria: GeneDx Variant Classification Process June 2021. Collection method: clinical testing. Allele origin: germline. Affected: yes.
Comment: Not observed at significant frequency in large population cohorts (gnomAD); In silico analysis supports that this missense variant does not alter protein structure/function; Has not been previously published as pathogenic or benign to our knowledge